The following is an entry in ClinVar:

NM_177438.3(DICER1):c.4852T>A (p.Ser1618Thr)

Gene: DICER1 (dicer 1, ribonuclease III; minus strand). Cytogenetic location: 14q32.13.
Variant type: single nucleotide variant.
Coding change: c.4852T>A on transcript NM_177438.3 (MANE Select); coding-DNA position 4852, T replaced by A.
Protein change: p.Ser1618Thr; replaces serine 1618 with threonine.
Molecular consequence: missense variant.
Genome position (GRCh38, 1-based): chr14:95,096,068, A>T on the plus strand (T>A on the coding strand, the complement: DICER1 is on the minus strand). VCF-style: chr14-95096068-A-T. GRCh37 (hg19) VCF-style: chr14-95562405-A-T.
Other names: c.4852T>A, p.Ser1618Thr (NM_001195573.1, NM_001271282.3, NM_001291628.2 and 1 more transcripts); short protein forms S1618T.
Identifiers: ClinVar variation 1446860 (VCV001446860.7), dbSNP rs2139841994, ClinGen allele CA390866743.

ClinVar aggregate classification (germline): Uncertain significance (1 of 4 stars; one submission).

Conditions:
DICER1-related tumor predisposition. Also called: DICER1 syndrome; DICER1-related pleuropulmonary blastoma cancer predisposition syndrome. Identifiers: Orphanet 284343, MedGen C3839822, MONDO:0100216.

gnomAD v4.1: 3 of 1,614,194 alleles (0.00019%); no homozygotes.

Submission:

Labcorp Genetics (formerly Invitae), Labcorp
Classification: Uncertain significance for DICER1-related tumor predisposition. Last evaluated: 2024-10-30. Review status: criteria provided, single submitter. Criteria: Invitae Variant Classification Sherloc (09022015). Collection method: clinical testing. Allele origin: germline.
Comment: This sequence change replaces serine, which is neutral and polar, with threonine, which is neutral and polar, at codon 1618 of the DICER1 protein (p.Ser1618Thr). This variant is not present in population databases (gnomAD no frequency). This variant has not been reported in the literature in individuals affected with DICER1-related conditions. ClinVar contains an entry for this variant (Variation ID: 1446860). Invitae Evidence Modeling of protein sequence and biophysical properties (such as structural, functional, and spatial information, amino acid conservation, physicochemical variation, residue mobility, and thermodynamic stability) indicates that this missense variant is not expected to disrupt DICER1 protein function with a negative predictive value of 95%. In summary, the available evidence is currently insufficient to determine the role of this variant in disease. Therefore, it has been classified as a Variant of Uncertain Significance.